The following is an entry in ClinVar:

NM_183050.4(BCKDHB):c.*763G>A

Gene: BCKDHB (branched chain keto acid dehydrogenase E1 subunit beta; plus strand). Cytogenetic location: 6q14.1.
Variant type: single nucleotide variant.
Coding change: c.*763G>A on transcript NM_183050.4 (MANE Select); 763 bases downstream of the stop codon, G replaced by A.
Molecular consequence: 3 prime UTR variant. On other transcripts: non-coding transcript variant (1), intron variant (1).
Genome position (GRCh38, 1-based): chr6:80,344,567, G>A. VCF-style: chr6-80344567-G-A. GRCh37 (hg19) VCF-style: chr6-81054284-G-A.
Other names: c.*763G>A (NM_001318975.1); c.*8+755G>A (NM_000056.5).
Identifiers: ClinVar variation 358189 (VCV000358189.5), dbSNP rs563470467, ClinGen allele CA10622794.

ClinVar aggregate classification (germline): Benign (1 of 4 stars; one submission).

Conditions:
Maple syrup urine disease (MSUD). Identifiers: Orphanet 511, MedGen C0024776, MeSH D008375, MONDO:0009563. Disease mechanism: loss of function.

Allele frequency attached by ClinVar (database versions not stated): gnomAD 0.00008; TOPMed 0.00017; 1000 Genomes Project 30x 0.00312; 1000 Genomes Project 0.00399.

Submission:

Illumina Laboratory Services, Illumina
Classification: Benign for Maple syrup urine disease type 1A. Last evaluated: 2018-01-13. Review status: criteria provided, single submitter. Criteria: ICSL Variant Classification Criteria 13 December 2019. Collection method: clinical testing. Allele origin: germline.
Comment: This variant was observed in the ICSL laboratory as part of a predisposition screen in an ostensibly healthy population. It had not been previously curated by ICSL or reported in the Human Gene Mutation Database (HGMD: prior to June 1st, 2018), and was therefore a candidate for classification through an automated scoring system. Utilizing variant allele frequency, disease prevalence and penetrance estimates, and inheritance mode, an automated score was calculated to assess if this variant is too frequent to cause the disease. Based on the score and internal cut-off values, a variant classified as benign is not then subjected to further curation. The score for this variant resulted in a classification of benign for this disease.